The following is an entry in ClinVar:

ClinVar aggregate classification (germline): Likely benign. Review status: criteria provided, multiple submitters, no conflicts (2 of 4 stars). 2 submissions from 2 submitters: Likely benign (2). Last evaluated 2024-12-19.

Conditions:
ALAD-related disorder. Also called: ALAD-related condition.

Allele frequency attached by ClinVar (database versions not stated): ESP Exome Variant Server 0.00008.
gnomAD v4.1: 138 of 1,613,656 alleles (0.0086%); highest among the groups gnomAD compares: Non-Finnish European, 0.011%; no homozygotes.

Submissions (2):

PreventionGenetics, part of Exact Sciences
Classification: Likely benign for ALAD-related condition. Last evaluated: 2024-12-19. Review status: criteria provided, single submitter. Criteria: ACMG Guidelines, 2015. Collection method: clinical testing. Allele origin: germline.
Comment: This variant is classified as likely benign based on ACMG/AMP sequence variant interpretation guidelines (Richards et al. 2015 PMID: 25741868, with internal and published modifications).

Labcorp Genetics (formerly Invitae), Labcorp
Classification: Likely benign. Last evaluated: 2024-07-19. Review status: criteria provided, single submitter. Criteria: Invitae Variant Classification Sherloc (09022015). Collection method: clinical testing. Allele origin: germline.

NM_000031.6(ALAD):c.780C>A (p.Ile260=)

Gene: ALAD (aminolevulinate dehydratase; minus strand). Cytogenetic location: 9q32.
Variant type: single nucleotide variant.
Coding change: c.780C>A on transcript NM_000031.6 (MANE Select); coding-DNA position 780, C replaced by A.
Protein change: p.Ile260=; no amino-acid change (isoleucine 260 retained).
Molecular consequence: synonymous variant.
Genome position (GRCh38, 1-based): chr9:113,389,459, G>T on the plus strand (C>A on the coding strand, the complement: ALAD is on the minus strand). VCF-style: chr9-113389459-G-T. GRCh37 (hg19) VCF-style: chr9-116151739-G-T.
Other names: c.780C>A (NM_000031.5); c.867C>A, p.Ile289= (NM_001003945.3); c.756C>A, p.Ile252= (NM_001317745.2).
Identifiers: ClinVar variation 1512096 (VCV001512096.7), dbSNP rs374069780, ClinGen allele CA5196367.
Genomic context (GRCh38, chr9:113,389,459, plus strand): 5'-CAGCCCCCTGAGCCCCCTTTGCCTCGTACCTGTGCTCACCTTGTCCTTTACCTCCCGCAC[G>T]ATGTCCAGGTAGGGCATTCCCGGCTTCACCATGAGCATGTCAGCTCCTTCCCGTACATCC-3'
Protein context (NP_000022.3, residues 250-270): MVKPGMPYLD[Ile260=]VREVKDKHPD